The following is an entry in ClinVar:

NM_004304.5(ALK):c.3337C>T (p.Arg1113Trp)

Gene: ALK (ALK receptor tyrosine kinase; minus strand). Cytogenetic location: 2p23.2.
Variant type: single nucleotide variant.
Coding change: c.3337C>T on transcript NM_004304.5 (MANE Select); coding-DNA position 3337, C replaced by T.
Protein change: p.Arg1113Trp; replaces arginine 1113 with tryptophan.
Molecular consequence: missense variant.
Genome position (GRCh38, 1-based): chr2:29,223,364, G>A on the plus strand (C>T on the coding strand, the complement: ALK is on the minus strand). VCF-style: chr2-29223364-G-A. GRCh37 (hg19) VCF-style: chr2-29446230-G-A.
Other names: c.133C>T, p.Arg45Trp (NM_001353765.2); short protein forms R1113W, R45W.
Identifiers: ClinVar variation 404357 (VCV000404357.16), dbSNP rs773583710, ClinGen allele CA1594005.

ClinVar aggregate classification (germline): Uncertain significance. Review status: criteria provided, multiple submitters, no conflicts (2 of 4 stars). 4 submissions from 4 submitters: Uncertain significance (4). Last evaluated 2026-02-11.

Conditions:
Hereditary cancer-predisposing syndrome. Also called: Hereditary neoplastic syndrome; Tumor predisposition; Hereditary Cancer Syndrome; Neoplastic Syndromes, Hereditary. Identifiers: Orphanet 140162, MedGen C0027672, MeSH D009386, MONDO:0015356.
Neuroblastoma, susceptibility to, 3. Also called: ALK-Related Neuroblastic Tumor Susceptibility. Identifiers: Orphanet 635, MedGen C2751681, MONDO:0013083, OMIM 613014.

Allele frequency attached by ClinVar (database versions not stated): gnomAD exomes below 0.00001 and 0.00001; gnomAD 0.00001; TOPMed below 0.00001; ExAC 0.00001.
gnomAD v4.1: 13 of 1,613,968 alleles (0.00081%); highest among the groups gnomAD compares: Admixed American, 0.0017%; no homozygotes.

Submissions (4):

St. Jude Molecular Pathology, St. Jude Children's Research Hospital
Classification: Uncertain significance for Neuroblastoma, susceptibility to, 3. Last evaluated: 2026-02-11. Review status: criteria provided, single submitter. Criteria: St. Jude Assertion Criteria 2020. Collection method: clinical testing. Allele origin: germline.
Comment: The ALK c.3337C>T p.(Arg1113Trp) missense change has a maximum subpopulation frequency of 0.0009% in gnomAD v2.1.1. The in silico tool REVEL predicts a deleterious effect on protein function, but to our knowledge this prediction has not been confirmed by functional studies. To our knowledge, this variant has not been reported in individuals with ALK-related neuroblastic tumor susceptibility. In summary, the evidence currently available is insufficient to determine the clinical significance of this variant. It has therefore been classified as of uncertain significance.

Labcorp Genetics (formerly Invitae), Labcorp
Classification: Uncertain significance for Neuroblastoma, susceptibility to, 3. Last evaluated: 2025-08-10. Review status: criteria provided, single submitter. Criteria: Invitae Variant Classification Sherloc (09022015). Collection method: clinical testing. Allele origin: germline.
Comment: This sequence change replaces arginine, which is basic and polar, with tryptophan, which is neutral and slightly polar, at codon 1113 of the ALK protein (p.Arg1113Trp). The frequency data for this variant in the population databases is considered unreliable, as metrics indicate poor data quality at this position in the gnomAD database. This variant has not been reported in the literature in individuals affected with ALK-related conditions. ClinVar contains an entry for this variant (Variation ID: 404357). An algorithm developed to predict the effect of missense changes on protein structure and function (PolyPhen-2) suggests that this variant is likely to be disruptive. In summary, the available evidence is currently insufficient to determine the role of this variant in disease. Therefore, it has been classified as a Variant of Uncertain Significance.

Dasa
Classification: Uncertain significance. Last evaluated: 2025-04-10. Review status: criteria provided, single submitter. Criteria: DASA Assertion Criteria. Collection method: clinical testing. Allele origin: germline.
Comment: NM_004304.5(ALK):c.3337C>T (p.Arg1113Trp) is a missense variant that results in the substitution of arginine with tryptophan. This variant is rare in population databases. Computational prediction algorithms are consistent with a deleterious effect. The currently available literature and clinical evidence are not sufficient to establish a definitive association between this variant and the reported condition. Therefore, this variant is classified as a variant of uncertain significance.

Ambry Genetics
Classification: Uncertain significance for Hereditary cancer-predisposing syndrome. Last evaluated: 2024-05-24. Review status: criteria provided, single submitter. Criteria: Ambry Variant Classification Scheme 2023. Collection method: clinical testing. Allele origin: germline.
Comment: The p.R1113W variant (also known as c.3337C>T), located in coding exon 20 of the ALK gene, results from a C to T substitution at nucleotide position 3337. The arginine at codon 1113 is replaced by tryptophan, an amino acid with dissimilar properties. This amino acid position is highly conserved in available vertebrate species. In addition, this alteration is predicted to be deleterious by in silico analysis. Since supporting evidence is limited at this time, the clinical significance of this alteration remains unclear.